The following is an entry in ClinVar:

NM_000202.8(IDS):c.124ATC[4] (p.Ile43_Val44insIleIle)

Gene: IDS (iduronate 2-sulfatase; minus strand). Cytogenetic location: Xq28.
Variant type: Microsatellite.
Coding change: c.124ATC[4] on transcript NM_000202.8 (MANE Select); four copies in a row of the 3-base unit ATC starting at c.124; the reference has two copies in a row; two copies, 6 bases duplicated; also written c.124_129dup.
Protein change: p.Ile43_Val44insIleIle.
Molecular consequence: inframe insertion. On other transcripts: 5 prime UTR variant (1), non-coding transcript variant (1).
Genome position (GRCh38, 1-based): chrX:149,504,268-149,504,273, GATGAT duplicated on the plus strand (ATCATC on the coding strand, the reverse complement: IDS is on the minus strand); duplicating any 6 consecutive bases within chrX:149,504,268-149,504,275 gives the same sequence; the position shown is the placement nearest the transcript's 3' end. VCF-style (leftmost placement, unchanged base first): chrX-149504267-C-CGATGAT. GRCh37 (hg19) VCF-style: chrX-148585797-C-CGATGAT.
Other names: c.-103ATC[4] (NM_001166550.4); c.124ATC[4], p.Ile43_Val44insIleIle (NM_006123.5); c.124_129dup (NM_000202.8).
Identifiers: ClinVar variation 3255815 (VCV003255815.2).

ClinVar aggregate classification (germline): Uncertain significance (1 of 4 stars; one submission).

Conditions:
Mucopolysaccharidosis, MPS-II (MPS2). Also called: Hunter Syndrome; IDURONATE 2-SULFATASE DEFICIENCY; Mucopolysaccharidosis Type II; Mucopolysaccharidosis type 2; Attenuated MPS (subtype; formerly known as mild MPS II); Severe MPS II. Identifiers: Orphanet 580, Orphanet 79388, MedGen C0026705, MONDO:0010674, OMIM 309900.

Submission:

Laboratory of Diagnosis and Therapy of Lysosomal Disorders, University of Padova
Classification: Uncertain significance for Mucopolysaccharidosis, MPS-II. Last evaluated: 2024-06-07. Review status: criteria provided, single submitter. Criteria: ACMG Guidelines, 2015. Collection method: literature only. Allele origin: germline. Affected: yes. Observed: 1 variant allele.
Comment: Absent from controls (or at low frequency) in gnomAD database (PM2_Moderate), Multiple lines of computational evidence support a deleterious effect (PP3_Supporting), Patient’s phenotype or family history highly specific for the disease (PP4_Moderate)

Classification method: ACMG Guidelines [PMID:25741868] with modifications

Literature cited by the submitters: PubMed 24125893.